The following is an entry in ClinVar:

NM_004991.4(MECOM):c.637G>T (p.Asp213Tyr)

Gene: MECOM (MDS1 and EVI1 complex locus; minus strand). Cytogenetic location: 3q26.2.
Variant type: single nucleotide variant.
Coding change: c.637G>T on transcript NM_004991.4 (MANE Select); coding-DNA position 637, G replaced by T.
Protein change: p.Asp213Tyr; replaces aspartic acid 213 with tyrosine.
Molecular consequence: missense variant.
Genome position (GRCh38, 1-based): chr3:169,128,037, C>A on the plus strand (G>T on the coding strand, the complement: MECOM is on the minus strand). VCF-style: chr3-169128037-C-A. GRCh37 (hg19) VCF-style: chr3-168845825-C-A.
Other names: c.73G>T, p.Asp25Tyr (NM_001366468.2, NM_001366469.2, NM_001366470.2 and 9 more transcripts); c.637G>T, p.Asp213Tyr (NM_001366473.2, NM_001366466.2); c.265G>T, p.Asp89Tyr (NM_001105077.4); short protein forms D213Y, D25Y, D89Y.
Identifiers: ClinVar variation 4859743 (VCV004859743.1).
Genomic context (GRCh38, chr3:169,128,037, plus strand): 5'-TGCATGGAAACTTTTGGTGATCTGCTAGTTCAGCCTTAGATTCAAAGAGCTGGTCACAGT[C>A]TTCGCAGCGATATTGCCGTTCTTCTGTGAAAACAATTCAGGTGTTAGGATTGGGTGGTCA-3'
Protein context (NP_004982.2, residues 203-223): IHEERQYRCE[Asp213Tyr]CDQLFESKAE

ClinVar aggregate classification (germline): Uncertain significance (1 of 4 stars; one submission).

Conditions:
Inborn genetic diseases. Identifiers: MedGen C0950123, MeSH D030342.

Submission:

Ambry Genetics
Classification: Uncertain significance for Inborn genetic diseases. Last evaluated: 2026-04-20. Review status: criteria provided, single submitter. Criteria: Ambry Variant Classification Scheme 2023. Collection method: clinical testing. Allele origin: germline.
Comment: The p.D213Y variant (also known as c.637G>T), located in coding exon 5 of the MECOM gene, results from a G to T substitution at nucleotide position 637. The aspartic acid at codon 213 is replaced by tyrosine, an amino acid with highly dissimilar properties. This amino acid position is conserved. In addition, this alteration is predicted to be deleterious by in silico analysis. Based on the available evidence, the clinical significance of this variant remains unclear.